The following is an entry in ClinVar:

ClinVar aggregate classification (germline): Likely pathogenic (1 of 4 stars; one submission).

Conditions:
Dilated cardiomyopathy 1G (CMD1G). Identifiers: Orphanet 154, MedGen C1858763, MONDO:0011400, OMIM 604145.

Submission:

Molecular Genetics Laboratory, Motol Hospital
Classification: Likely pathogenic for Dilated cardiomyopathy 1G. Last evaluated: 2025-05-02. Review status: criteria provided, single submitter. Criteria: ACMG Guidelines, 2015. Collection method: clinical testing. Allele origin: germline. Affected: yes. Observed: 1 variant allele.
Comment: Not present in gnomAD (v4.1.0), dbSNP or ClinVar (PM2). Rare truncating variants affecting the TTN gene are documented as a molecular cause of autosomal dominant "dilated cardiomyopathy 1G" (CMD1G, MIM:604145; PMID:22335739) (PVS1). Located in the exon 276 (NM_001256850.1) which is a mutational hotspot in the TTN gene region encoding the A-band. To conclude, the variant is classified as likely pathogenic (ACMG PVS1, PM2).

Literature cited by the submitters: PubMed 22335739.

NM_001267550.2(TTN):c.77080A>T (p.Lys25694Ter)

Genes: TTN (titin; minus strand), TTN-AS1 (TTN antisense RNA 1; plus strand). Cytogenetic location: 2q31.2.
Variant type: single nucleotide variant.
Coding change: c.77080A>T on transcript NM_001267550.2 (MANE Select); coding-DNA position 77080, A replaced by T.
Protein change: p.Lys25694Ter; replaces lysine 25694 with a stop codon.
Molecular consequence: nonsense.
Genome position (GRCh38, 1-based): chr2:178,569,052, T>A on the plus strand (A>T on the coding strand, the complement: TTN is on the minus strand). VCF-style: chr2-178569052-T-A. GRCh37 (hg19) VCF-style: chr2-179433779-T-A.
Other names: c.72157A>T, p.Lys24053Ter (NM_001256850.1); c.49885A>T, p.Lys16629Ter (NM_003319.4); c.69376A>T, p.Lys23126Ter (NM_133378.4); c.50260A>T, p.Lys16754Ter (NM_133432.3); c.50461A>T, p.Lys16821Ter (NM_133437.4); short protein forms K16629*, K16754*, K16821*, K23126*, K24053*, K25694*.
Identifiers: ClinVar variation 3895532 (VCV003895532.1).